The following is an entry in ClinVar:

ClinVar aggregate classification (germline): Conflicting classifications of pathogenicity. Review status: criteria provided, conflicting classifications (1 of 4 stars). 5 submissions from 4 submitters: Uncertain significance (2); Benign (1); Likely benign (2). Last evaluated 2025-05-12.

Conditions:
PDE6C-related disorder. Also called: PDE6C-related condition.
Achromatopsia. Also called: Rod monochromatism. Identifiers: Orphanet 49382, MedGen C0152200, MONDO:0018852, HP:0011516.
Cone dystrophy 4 (COD4). Identifiers: Orphanet 49382, MedGen C2751308, MONDO:0013129, OMIM 613093.

Allele frequency attached by ClinVar (database versions not stated): gnomAD 0.00003; gnomAD exomes 0.00003 and 0.00018; TOPMed 0.00007; ExAC 0.00015; 1000 Genomes Project 30x 0.00031; 1000 Genomes Project 0.00040.
gnomAD v4.1: 43 of 1,613,992 alleles (0.0027%); highest among the groups gnomAD compares: East Asian, 0.08%; no homozygotes.

Submissions (5):

PreventionGenetics, part of Exact Sciences
Classification: Likely benign for PDE6C-related condition. Last evaluated: 2025-05-12. Review status: criteria provided, single submitter. Criteria: ACMG Guidelines, 2015. Collection method: clinical testing. Allele origin: germline.
Comment: This variant is classified as likely benign based on ACMG/AMP sequence variant interpretation guidelines (Richards et al. 2015 PMID: 25741868, with internal and published modifications).

Blueprint Genetics
Classification: Likely benign. Last evaluated: 2024-11-25. Review status: criteria provided, single submitter. Criteria: ACMG Guidelines, 2015. Collection method: clinical testing. Allele origin: germline.

Labcorp Genetics (formerly Invitae), Labcorp
Classification: Benign. Last evaluated: 2024-08-12. Review status: criteria provided, single submitter. Criteria: Invitae Variant Classification Sherloc (09022015). Collection method: clinical testing. Allele origin: germline.

Illumina Laboratory Services, Illumina
Classification: Uncertain significance for Cone dystrophy 4. Last evaluated: 2018-01-12. Review status: criteria provided, single submitter. Criteria: ICSL Variant Classification Criteria 13 December 2019. Collection method: clinical testing. Allele origin: germline.

Illumina Laboratory Services, Illumina
Classification: Uncertain significance for Achromatopsia. Last evaluated: 2018-01-12. Review status: criteria provided, single submitter. Criteria: ICSL Variant Classification Criteria 13 December 2019. Collection method: clinical testing. Allele origin: germline.

NM_006204.4(PDE6C):c.1120-6T>C

Gene: PDE6C (phosphodiesterase 6C; plus strand). Cytogenetic location: 10q23.33.
Variant type: single nucleotide variant.
Coding change: c.1120-6T>C on transcript NM_006204.4 (MANE Select); 6 bases into the intron before coding-DNA position 1120, T replaced by C.
Molecular consequence: intron variant.
Genome position (GRCh38, 1-based): chr10:93,634,752, T>C. VCF-style: chr10-93634752-T-C. GRCh37 (hg19) VCF-style: chr10-95394509-T-C.
Identifiers: ClinVar variation 877458 (VCV000877458.14), dbSNP rs202031903, ClinGen allele CA5610094.